The following is an entry in ClinVar:

ClinVar aggregate classification (germline): Uncertain significance. Review status: criteria provided, multiple submitters, no conflicts (2 of 4 stars). 2 submissions from 2 submitters: Uncertain significance (2). Last evaluated 2025-10-14.

Conditions:
Hereditary spastic paraplegia 75. Also called: Spastic paraplegia 75, autosomal recessive. Identifiers: Orphanet 459056, MedGen C4225250, MONDO:0014729, OMIM 616680.
Inborn genetic diseases. Identifiers: MedGen C0950123, MeSH D030342.

Allele frequency attached by ClinVar (database versions not stated): ExAC 0.00001; gnomAD exomes 0.00001.
gnomAD v4.1: 4 of 1,614,182 alleles (0.00025%); highest among the groups gnomAD compares: Middle Eastern, 0.016%; no homozygotes.

Submissions (2):

Ambry Genetics
Classification: Uncertain significance for Inborn genetic diseases. Last evaluated: 2025-10-14. Review status: criteria provided, single submitter. Criteria: Ambry Variant Classification Scheme 2023. Collection method: clinical testing. Allele origin: germline.

Labcorp Genetics (formerly Invitae), Labcorp
Classification: Uncertain significance for Hereditary spastic paraplegia 75. Last evaluated: 2024-12-02. Review status: criteria provided, single submitter. Criteria: Invitae Variant Classification Sherloc (09022015). Collection method: clinical testing. Allele origin: germline.
Comment: This sequence change replaces glutamic acid, which is acidic and polar, with aspartic acid, which is acidic and polar, at codon 339 of the MAG protein (p.Glu339Asp). This variant is present in population databases (rs750691038, gnomAD 0.009%). This variant has not been reported in the literature in individuals affected with MAG-related conditions. ClinVar contains an entry for this variant (Variation ID: 1425987). Invitae Evidence Modeling of protein sequence and biophysical properties (such as structural, functional, and spatial information, amino acid conservation, physicochemical variation, residue mobility, and thermodynamic stability) indicates that this missense variant is not expected to disrupt MAG protein function with a negative predictive value of 80%. In summary, the available evidence is currently insufficient to determine the role of this variant in disease. Therefore, it has been classified as a Variant of Uncertain Significance.

NM_002361.4(MAG):c.1017G>T (p.Glu339Asp)

Gene: MAG (myelin associated glycoprotein; plus strand). Cytogenetic location: 19q13.12.
Variant type: single nucleotide variant.
Coding change: c.1017G>T on transcript NM_002361.4 (MANE Select); coding-DNA position 1017, G replaced by T.
Protein change: p.Glu339Asp; replaces glutamic acid 339 with aspartic acid.
Molecular consequence: missense variant.
Genome position (GRCh38, 1-based): chr19:35,302,494, G>T. VCF-style: chr19-35302494-G-T. GRCh37 (hg19) VCF-style: chr19-35793397-G-T.
Other names: c.942G>T, p.Glu314Asp (NM_001199216.2); c.1017G>T, p.Glu339Asp (NM_080600.3); c.1017G>T (NM_002361.3); short protein forms E314D, E339D.
Identifiers: ClinVar variation 1425987 (VCV001425987.6), dbSNP rs750691038, ClinGen allele CA9376161.